The following is an entry in ClinVar:

ClinVar aggregate classification (germline): Uncertain significance. Review status: criteria provided, multiple submitters, no conflicts (2 of 4 stars). 4 submissions from 4 submitters: Uncertain significance (4). Last evaluated 2024-12-18.

Conditions:
ALG1-congenital disorder of glycosylation. Also called: CDG Ik; ALG1-CDG; CONGENITAL DISORDER OF GLYCOSYLATION, TYPE Ik. Identifiers: Orphanet 79327, MedGen C2931005, MONDO:0012052, OMIM 608540.
Inborn genetic diseases. Identifiers: MedGen C0950123, MeSH D030342.

Allele frequency attached by ClinVar (database versions not stated): ExAC 0.00002; gnomAD 0.00002 and 0.00001; gnomAD exomes 0.00002; TOPMed 0.00003.

Submissions (4):

Genomic Medicine Center of Excellence, King Faisal Specialist Hospital and Research Centre
Classification: Uncertain significance for ALG1-congenital disorder of glycosylation. Last evaluated: 2024-12-18. Review status: criteria provided, single submitter. Criteria: ACMG Guidelines, 2015. Collection method: clinical testing. Allele origin: germline.

Ambry Genetics
Classification: Uncertain significance for Inborn genetic diseases. Last evaluated: 2024-11-19. Review status: criteria provided, single submitter. Criteria: Ambry Variant Classification Scheme 2023. Collection method: clinical testing. Allele origin: germline.

Fulgent Genetics
Classification: Uncertain significance for ALG1-congenital disorder of glycosylation. Last evaluated: 2024-04-02. Review status: criteria provided, single submitter. Criteria: ACMG Guidelines, 2015. Collection method: clinical testing. Allele origin: germline.

Labcorp Genetics (formerly Invitae), Labcorp
Classification: Uncertain significance for ALG1-congenital disorder of glycosylation. Last evaluated: 2022-09-13. Review status: criteria provided, single submitter. Criteria: Invitae Variant Classification Sherloc (09022015). Collection method: clinical testing. Allele origin: germline.
Comment: This sequence change replaces valine, which is neutral and non-polar, with methionine, which is neutral and non-polar, at codon 144 of the ALG1 protein (p.Val144Met). This variant is present in population databases (rs770392954, gnomAD 0.02%). This variant has not been reported in the literature in individuals affected with ALG1-related conditions. ClinVar contains an entry for this variant (Variation ID: 1511378). Advanced modeling of protein sequence and biophysical properties (such as structural, functional, and spatial information, amino acid conservation, physicochemical variation, residue mobility, and thermodynamic stability) performed at Invitae indicates that this missense variant is not expected to disrupt ALG1 protein function. In summary, the available evidence is currently insufficient to determine the role of this variant in disease. Therefore, it has been classified as a Variant of Uncertain Significance.

NM_019109.5(ALG1):c.430G>A (p.Val144Met)

Gene: ALG1 (ALG1 chitobiosyldiphosphodolichol beta-mannosyltransferase; plus strand). Cytogenetic location: 16p13.3.
Variant type: single nucleotide variant.
Coding change: c.430G>A on transcript NM_019109.5 (MANE Select); coding-DNA position 430, G replaced by A.
Protein change: p.Val144Met; replaces valine 144 with methionine.
Molecular consequence: missense variant.
Genome position (GRCh38, 1-based): chr16:5,075,427, G>A. VCF-style: chr16-5075427-G-A. GRCh37 (hg19) VCF-style: chr16-5125428-G-A.
Other names: c.430G>A (NM_019109.4); c.97G>A, p.Val33Met (NM_001330504.2); short protein forms V144M, V33M.
Identifiers: ClinVar variation 1511378 (VCV001511378.9), dbSNP rs770392954, ClinGen allele CA7889832.